The following is an entry in ClinVar:

NM_004204.5(PIGQ):c.925C>G (p.Leu309Val)

Gene: PIGQ (phosphatidylinositol glycan anchor biosynthesis class Q; plus strand). Cytogenetic location: 16p13.3.
Variant type: single nucleotide variant.
Coding change: c.925C>G on transcript NM_004204.5 (MANE Select); coding-DNA position 925, C replaced by G.
Protein change: p.Leu309Val; replaces leucine 309 with valine.
Molecular consequence: missense variant.
Genome position (GRCh38, 1-based): chr16:576,237, C>G. VCF-style: chr16-576237-C-G. GRCh37 (hg19) VCF-style: chr16-626237-C-G.
Other names: c.925C>G, p.Leu309Val (NM_148920.4); short protein forms L309V.
Identifiers: ClinVar variation 526287 (VCV000526287.37), dbSNP rs145216283, ClinGen allele CA7780028.

ClinVar aggregate classification (germline): Likely benign. Review status: criteria provided, multiple submitters, no conflicts (2 of 4 stars). 4 submissions from 4 submitters: Likely benign (3). 1 of the submissions does not count toward it. Last evaluated 2026-09-01.

Conditions:
PIGQ-related disorder. Also called: PIGQ-related condition.
Epilepsy. Also called: Seizure disorder. Identifiers: MedGen C0014544, MeSH D004827, MONDO:0005027.

Allele frequency attached by ClinVar (database versions not stated): 1000 Genomes Project 30x 0.00031; 1000 Genomes Project 0.00040; gnomAD 0.00099 and 0.00100; gnomAD exomes 0.00109; TOPMed 0.00114; ESP Exome Variant Server 0.00118; ExAC 0.00184.
gnomAD v4.1: 2,837 of 1,554,050 alleles (0.18%); highest among the groups gnomAD compares: Non-Finnish European, 0.23%; 3 homozygotes.

Submissions (4):

CeGaT Center for Human Genetics Tuebingen
Classification: Likely benign. Last evaluated: 2026-09-01. Review status: criteria provided, single submitter. Criteria: CeGaT Center For Human Genetics Tuebingen Variant Classification Criteria Version 2. Collection method: clinical testing. Allele origin: germline. Affected: yes. Observed: 6 variant alleles.
Comment: PIGQ: BP4, BS2

Labcorp Genetics (formerly Invitae), Labcorp
Classification: Likely benign for Epilepsy. Last evaluated: 2026-02-03. Review status: criteria provided, single submitter. Criteria: Invitae Variant Classification Sherloc (09022015). Collection method: clinical testing. Allele origin: germline.

Breakthrough Genomics
Classification: Likely benign. Review status: criteria provided, single submitter. Criteria: ACMG Guidelines, 2015. Collection method: not provided. Allele origin: germline. Inheritance: Autosomal recessive inheritance. Affected: yes.

PreventionGenetics, part of Exact Sciences
Classification: Likely benign for PIGQ-related condition. Last evaluated: 2022-10-18. Review status: no assertion criteria provided. Collection method: clinical testing. Allele origin: germline. Not counted in ClinVar's aggregate classification.
Comment: This variant is classified as likely benign based on ACMG/AMP sequence variant interpretation guidelines (Richards et al. 2015 PMID: 25741868, with internal and published modifications).